The following is an entry in ClinVar:

NM_002458.3(MUC5B):c.7005C>G (p.Gly2335=)

Genes: MUC5B (mucin 5B, oligomeric mucus/gel-forming; plus strand), MUC5B-AS1 (MUC5B antisense RNA 1; minus strand). Cytogenetic location: 11p15.5.
Variant type: single nucleotide variant.
Coding change: c.7005C>G on transcript NM_002458.3 (MANE Select); coding-DNA position 7005, C replaced by G.
Protein change: p.Gly2335=; no amino-acid change (glycine 2335 retained).
Molecular consequence: synonymous variant.
Genome position (GRCh38, 1-based): chr11:1,243,885, C>G. VCF-style: chr11-1243885-C-G. GRCh37 (hg19) VCF-style: chr11-1265115-C-G.
Identifiers: ClinVar variation 2641228 (VCV002641228.24), dbSNP rs569225237, ClinGen allele CA5806203.

ClinVar aggregate classification (germline): Likely benign (1 of 4 stars; one submission).

Allele frequency attached by ClinVar (database versions not stated): 1000 Genomes Project 30x 0.00500; 1000 Genomes Project 0.01418.

Submission:

CeGaT Center for Human Genetics Tuebingen
Classification: Likely benign. Last evaluated: 2026-05-01. Review status: criteria provided, single submitter. Criteria: CeGaT Center For Human Genetics Tuebingen Variant Classification Criteria Version 2. Collection method: clinical testing. Allele origin: germline. Affected: yes. Observed: 10 variant alleles.
Comment: MUC5B: BP4, BP7, BS1